The following is an entry in ClinVar:

ClinVar aggregate classification (germline): Benign (0 of 4 stars; one submission).

Conditions:
PTPRM-related disorder. Also called: PTPRM-related condition.

Allele frequency attached by ClinVar (database versions not stated): gnomAD exomes 0.74286; ExAC 0.75688; ESP Exome Variant Server 0.77626; gnomAD 0.78038; 1000 Genomes Project 0.79233; TOPMed 0.79652; 1000 Genomes Project 30x 0.79700.
gnomAD v4.1: 1,189,740 of 1,592,304 alleles (75%); highest among the groups gnomAD compares: African/African-American, 86%; 446,407 homozygotes.

Submission:

PreventionGenetics, part of Exact Sciences
Classification: Benign for PTPRM-related condition. Last evaluated: 2019-10-17. Review status: no assertion criteria provided. Collection method: clinical testing. Allele origin: germline.
Comment: This variant is classified as benign based on ACMG/AMP sequence variant interpretation guidelines (Richards et al. 2015 PMID: 25741868, with internal and published modifications).

NM_001105244.2(PTPRM):c.4045-5C>T

Gene: PTPRM (protein tyrosine phosphatase receptor type M; plus strand). Cytogenetic location: 18p11.23.
Variant type: single nucleotide variant.
Coding change: c.4045-5C>T on transcript NM_001105244.2 (MANE Select); 5 bases into the intron before coding-DNA position 4045, C replaced by T.
Molecular consequence: intron variant.
Genome position (GRCh38, 1-based): chr18:8,387,067, C>T. VCF-style: chr18-8387067-C-T. GRCh37 (hg19) VCF-style: chr18-8387065-C-T.
Other names: c.4006-5C>T (NM_002845.4); c.3532-5C>T (NM_001378147.1); c.3481-5C>T (NM_001378145.1); c.3442-5C>T (NM_001378144.1); c.3457-5C>T (NM_001378146.1); c.3406-5C>T (NM_001378143.1); c.3367-5C>T (NM_001378142.1).
Identifiers: ClinVar variation 3059304 (VCV003059304.2), dbSNP rs594742, ClinGen allele CA8884955.